The following is an entry in ClinVar:

ClinVar aggregate classification (germline): Likely benign (1 of 4 stars; one submission).

Submission:

CeGaT Center for Human Genetics Tuebingen
Classification: Likely benign. Last evaluated: 2024-01-01. Review status: criteria provided, single submitter. Criteria: CeGaT Center For Human Genetics Tuebingen Variant Classification Criteria Version 2. Collection method: clinical testing. Allele origin: germline. Affected: yes. Observed: 1 variant allele.
Comment: DNMT1: PM2:Supporting, BP4, BP7

NM_001130823.3(DNMT1):c.2088A>G (p.Gly696=)

Gene: DNMT1 (DNA methyltransferase 1; minus strand). Cytogenetic location: 19p13.2.
Variant type: single nucleotide variant.
Coding change: c.2088A>G on transcript NM_001130823.3 (MANE Select); coding-DNA position 2088, A replaced by G.
Protein change: p.Gly696=; no amino-acid change (glycine 696 retained).
Molecular consequence: synonymous variant.
Genome position (GRCh38, 1-based): chr19:10,151,779, T>C on the plus strand (A>G on the coding strand, the complement: DNMT1 is on the minus strand). VCF-style: chr19-10151779-T-C. GRCh37 (hg19) VCF-style: chr19-10262455-T-C.
Other names: c.2040A>G, p.Gly680= (NM_001318730.2, NM_001379.4); c.1725A>G, p.Gly575= (NM_001318731.2).
Identifiers: ClinVar variation 3025395 (VCV003025395.22), dbSNP rs2513814282, ClinGen allele CA505344797.